The following is an entry in ClinVar:

NM_001556.3(IKBKB):c.869C>T (p.Thr290Met)

Gene: IKBKB (inhibitor of nuclear factor kappa B kinase subunit beta; plus strand). Cytogenetic location: 8p11.21.
Variant type: single nucleotide variant.
Coding change: c.869C>T on transcript NM_001556.3 (MANE Select); coding-DNA position 869, C replaced by T.
Protein change: p.Thr290Met; replaces threonine 290 with methionine.
Molecular consequence: missense variant. On other transcripts: non-coding transcript variant (3).
Genome position (GRCh38, 1-based): chr8:42,316,278, C>T. VCF-style: chr8-42316278-C-T. GRCh37 (hg19) VCF-style: chr8-42173796-C-T.
Other names: c.677C>T, p.Thr226Met (NM_001190720.3); c.692C>T, p.Thr231Met (NM_001242778.2); c.869C>T (NM_001556.2); short protein forms T290M, T231M, T226M.
Identifiers: ClinVar variation 1494286 (VCV001494286.8), dbSNP rs201602866, ClinGen allele CA175968662.

ClinVar aggregate classification (germline): Uncertain significance. Review status: criteria provided, multiple submitters, no conflicts (2 of 4 stars). 2 submissions from 2 submitters: Uncertain significance (2). Last evaluated 2025-12-20.

Conditions:
Severe combined immunodeficiency due to IKK2 deficiency. Also called: IMMUNODEFICIENCY 15B; Immunodeficiency 15. Identifiers: Orphanet 397787, MedGen C4747743, MONDO:0014267, OMIM 615592.
Inborn genetic diseases. Identifiers: MedGen C0950123, MeSH D030342.

Allele frequency attached by ClinVar (database versions not stated): gnomAD 0.00001; gnomAD exomes 0.00001; TOPMed 0.00002.
gnomAD v4.1: 62 of 1,613,978 alleles (0.0038%); highest among the groups gnomAD compares: Non-Finnish European, 0.005%; no homozygotes.

Submissions (2):

Labcorp Genetics (formerly Invitae), Labcorp
Classification: Uncertain significance for Severe combined immunodeficiency due to IKK2 deficiency. Last evaluated: 2025-12-20. Review status: criteria provided, single submitter. Criteria: Invitae Variant Classification Sherloc (09022015). Collection method: clinical testing. Allele origin: germline.
Comment: This sequence change replaces threonine, which is neutral and polar, with methionine, which is neutral and non-polar, at codon 290 of the IKBKB protein (p.Thr290Met). This variant is present in population databases (rs201602866, gnomAD 0.003%). This variant has not been reported in the literature in individuals affected with IKBKB-related conditions. ClinVar contains an entry for this variant (Variation ID: 1494286). Invitae Evidence Modeling of protein sequence and biophysical properties (such as structural, functional, and spatial information, amino acid conservation, physicochemical variation, residue mobility, and thermodynamic stability) indicates that this missense variant is not expected to disrupt IKBKB protein function with a negative predictive value of 95%. In summary, the available evidence is currently insufficient to determine the role of this variant in disease. Therefore, it has been classified as a Variant of Uncertain Significance.

Ambry Genetics
Classification: Uncertain significance for Inborn genetic diseases. Last evaluated: 2024-02-22. Review status: criteria provided, single submitter. Criteria: Ambry Variant Classification Scheme 2023. Collection method: clinical testing. Allele origin: germline.